The following is an entry in ClinVar:

ClinVar aggregate classification (germline): Uncertain significance (1 of 4 stars; one submission).

Submission:

Labcorp Genetics (formerly Invitae), Labcorp
Classification: Uncertain significance. Last evaluated: 2026-01-02. Review status: criteria provided, single submitter. Criteria: Invitae Variant Classification Sherloc (09022015). Collection method: clinical testing. Allele origin: germline.
Comment: This sequence change falls in intron 20 of the PTPN23 gene. It does not directly change the encoded amino acid sequence of the PTPN23 protein. It affects a nucleotide within the consensus splice site. This variant is not present in population databases (gnomAD no frequency). This variant has not been reported in the literature in individuals affected with PTPN23-related conditions. Variants that disrupt the consensus splice site are a relatively common cause of aberrant splicing (PMID: 17576681, 9536098). Algorithms developed to predict the effect of sequence changes on RNA splicing suggest that this variant is not likely to affect RNA splicing. In summary, the available evidence is currently insufficient to determine the role of this variant in disease. Therefore, it has been classified as a Variant of Uncertain Significance.

Literature cited by the submitters: PubMed 17576681; PubMed 9536098.

NM_015466.4(PTPN23):c.3889-3C>T

Gene: PTPN23 (protein tyrosine phosphatase non-receptor type 23; plus strand). Cytogenetic location: 3p21.31.
Variant type: single nucleotide variant.
Coding change: c.3889-3C>T on transcript NM_015466.4 (MANE Select); 3 bases into the intron before coding-DNA position 3889, C replaced by T.
Molecular consequence: intron variant.
Genome position (GRCh38, 1-based): chr3:47,411,780, C>T. VCF-style: chr3-47411780-C-T. GRCh37 (hg19) VCF-style: chr3-47453270-C-T.
Other names: c.3511-3C>T (NM_001304482.2).
Identifiers: ClinVar variation 4711369 (VCV004711369.1).